The following is an entry in ClinVar:

ClinVar aggregate classification (germline): Uncertain significance (1 of 4 stars; one submission).

Conditions:
Epileptic encephalopathy. Identifiers: MedGen C0543888, HP:0200134.

Submission:

Labcorp Genetics (formerly Invitae), Labcorp
Classification: Uncertain significance for Epileptic encephalopathy. Last evaluated: 2022-06-27. Review status: criteria provided, single submitter. Criteria: Invitae Variant Classification Sherloc (09022015). Collection method: clinical testing. Allele origin: germline.
Comment: This variant has not been reported in the literature in individuals affected with RYR3-related conditions. This variant is not present in population databases (gnomAD no frequency). This sequence change replaces arginine, which is basic and polar, with glycine, which is neutral and non-polar, at codon 3620 of the RYR3 protein (p.Arg3620Gly). In summary, the available evidence is currently insufficient to determine the role of this variant in disease. Therefore, it has been classified as a Variant of Uncertain Significance. Algorithms developed to predict the effect of missense changes on protein structure and function are either unavailable or do not agree on the potential impact of this missense change (SIFT: "Deleterious"; PolyPhen-2: "Possibly Damaging"; Align-GVGD: "Class C0"). ClinVar contains an entry for this variant (Variation ID: 574764).

NM_001036.6(RYR3):c.10858C>G (p.Arg3620Gly)

Gene: RYR3 (ryanodine receptor 3; plus strand). Cytogenetic location: 15q14.
Variant type: single nucleotide variant.
Coding change: c.10858C>G on transcript NM_001036.6 (MANE Select); coding-DNA position 10858, C replaced by G.
Protein change: p.Arg3620Gly; replaces arginine 3620 with glycine.
Molecular consequence: missense variant.
Genome position (GRCh38, 1-based): chr15:33,821,312, C>G. VCF-style: chr15-33821312-C-G. GRCh37 (hg19) VCF-style: chr15-34113513-C-G.
Other names: c.10843C>G, p.Arg3615Gly (NM_001243996.4); short protein forms R3620G, R3615G.
Identifiers: ClinVar variation 574764 (VCV000574764.8), dbSNP rs1477239834, ClinGen allele CA391586761.
Genomic context (GRCh38, chr15:33,821,312, plus strand): 5'-GATTTTTTTTCCCCCCAGGAGAAAGAGATGGAGAAGCAAAAAACCCTCTATCAGCAAGCT[C>G]GGCTGCATGAGCGTGGTGCTGCAGAGATGGTCCTTCAGATGATAAGCGCTAGCAAAGGTG-3'
Protein context (NP_001027.3, residues 3610-3630): EKQKTLYQQA[Arg3620Gly]LHERGAAEMV